The following is an entry in ClinVar:

NM_001384474.1(LOXHD1):c.2035G>A (p.Ala679Thr)

Gene: LOXHD1 (lipoxygenase homology PLAT domains 1; minus strand). Cytogenetic location: 18q21.1.
Variant type: single nucleotide variant.
Coding change: c.2035G>A on transcript NM_001384474.1 (MANE Select); coding-DNA position 2035, G replaced by A.
Protein change: p.Ala679Thr; replaces alanine 679 with threonine.
Molecular consequence: missense variant.
Genome position (GRCh38, 1-based): chr18:46,572,098, C>T on the plus strand (G>A on the coding strand, the complement: LOXHD1 is on the minus strand). VCF-style: chr18-46572098-C-T. GRCh37 (hg19) VCF-style: chr18-44152061-C-T.
Other names: c.2035G>A, p.Ala679Thr (NM_144612.7); short protein forms A679T.
Identifiers: ClinVar variation 228815 (VCV000228815.8), dbSNP rs779377762, ClinGen allele CA10577083.

ClinVar aggregate classification (germline): Uncertain significance. Review status: criteria provided, multiple submitters, no conflicts (2 of 4 stars). 4 submissions from 4 submitters: Uncertain significance (3). 1 of the submissions does not count toward it. Last evaluated 2025-10-16.

Conditions:
Autosomal recessive nonsyndromic hearing loss 77. Identifiers: Orphanet 90636, MedGen C2746083, MONDO:0013119, OMIM 613079.

Allele frequency attached by ClinVar (database versions not stated): gnomAD 0.00001; TOPMed 0.00001; gnomAD exomes 0.00002 and 0.00003.
gnomAD v4.1: 25 of 1,551,656 alleles (0.0016%); highest among the groups gnomAD compares: South Asian, 0.0024%; no homozygotes.

Submissions (4):

GeneDx
Classification: Uncertain significance. Last evaluated: 2025-10-16. Review status: criteria provided, single submitter. Criteria: GeneDx Variant Classification Process June 2021. Collection method: clinical testing. Allele origin: germline.
Comment: Reported in a patient with hearing loss in published literature; case information is limited (PMID: 23767834); In silico analysis supports that this missense variant has a deleterious effect on protein structure/function; This variant is associated with the following publications: (PMID: 23767834)

Labcorp Genetics (formerly Invitae), Labcorp
Classification: Uncertain significance. Last evaluated: 2022-02-06. Review status: criteria provided, single submitter. Criteria: Invitae Variant Classification Sherloc (09022015). Collection method: clinical testing. Allele origin: germline.
Comment: This sequence change replaces alanine, which is neutral and non-polar, with threonine, which is neutral and polar, at codon 679 of the LOXHD1 protein (p.Ala679Thr). This variant is present in population databases (rs779377762, gnomAD 0.007%). This variant has not been reported in the literature in individuals affected with LOXHD1-related conditions. ClinVar contains an entry for this variant (Variation ID: 228815). Algorithms developed to predict the effect of missense changes on protein structure and function (SIFT, PolyPhen-2, Align-GVGD) all suggest that this variant is likely to be tolerated. In summary, the available evidence is currently insufficient to determine the role of this variant in disease. Therefore, it has been classified as a Variant of Uncertain Significance.

Laboratory for Molecular Medicine, Mass General Brigham Personalized Medicine
Classification: Uncertain significance. Last evaluated: 2015-08-10. Review status: criteria provided, single submitter. Criteria: LMM Criteria. Collection method: clinical testing. Allele origin: germline. Observed: 1 variant allele.
Comment: The p.Ala679Thr variant in LOXHD1 has not been previously reported in individual s with hearing loss. Data from large population studies is insufficient to asse ss the frequency of this variant. Computational prediction tools and conservatio n analysis do not provide strong support for or against an impact to the protein . In summary, the clinical significance of the p.Ala679Thr variant is uncertain.

Natera, Inc.
Classification: Uncertain significance for Autosomal recessive deafness type 77. Last evaluated: 2019-10-28. Review status: no assertion criteria provided. Collection method: clinical testing. Allele origin: germline. Not counted in ClinVar's aggregate classification.